The following is an entry in ClinVar:

NM_005921.2(MAP3K1):c.834+1G>C

Gene: MAP3K1 (mitogen-activated protein kinase kinase kinase 1; plus strand). Cytogenetic location: 5q11.2.
Variant type: single nucleotide variant.
Coding change: c.834+1G>C on transcript NM_005921.2 (MANE Select); the canonical splice donor site of the intron after coding-DNA position 834, G replaced by C.
Molecular consequence: splice donor variant.
Genome position (GRCh38, 1-based): chr5:56,859,916, G>C. VCF-style: chr5-56859916-G-C. GRCh37 (hg19) VCF-style: chr5-56155743-G-C.
Identifiers: ClinVar variation 4713317 (VCV004713317.1).
Genomic context (GRCh38, chr5:56,859,916, plus strand): 5'-GGTCGCACAGTGAAATCAGAATCTCCAGGAGTAAGGAGAAAAAGAGTTTCCCCAGTGCCT[G>C]TAAGTTAATGTTACAACAAATATGTTAGTTTTTATAATTTTTAGCTTCATTTATAACAAA-3'

ClinVar aggregate classification (germline): Uncertain significance (1 of 4 stars; one submission).

Conditions:
46,XY sex reversal 6. Also called: 46,XY SEX REVERSAL, PARTIAL OR COMPLETE, MAP3K1-RELATED; 46,XY GONADAL DYSGENESIS, PARTIAL OR COMPLETE, MAP3K1-RELATED. Identifiers: MedGen C3151064, MONDO:0013410, OMIM 613762.

Submission:

Labcorp Genetics (formerly Invitae), Labcorp
Classification: Uncertain significance for 46,XY sex reversal 6. Last evaluated: 2025-02-18. Review status: criteria provided, single submitter. Criteria: Invitae Variant Classification Sherloc (09022015). Collection method: clinical testing. Allele origin: germline.
Comment: This sequence change affects a donor splice site in intron 3 of the MAP3K1 gene. It is expected to disrupt RNA splicing. Variants that disrupt the donor or acceptor splice site typically lead to a loss of protein function (PMID: 16199547), however the current clinical and genetic evidence is not sufficient to establish whether loss-of-function variants in MAP3K1 cause disease. This variant is not present in population databases (gnomAD no frequency). This variant has not been reported in the literature in individuals affected with MAP3K1-related conditions. Algorithms developed to predict the effect of sequence changes on RNA splicing suggest that this variant may disrupt the consensus splice site. In summary, the available evidence is currently insufficient to determine the role of this variant in disease. Therefore, it has been classified as a Variant of Uncertain Significance.

Literature cited by the submitters: PubMed 16199547.